The following is an entry in ClinVar:

ClinVar aggregate classification (germline): Uncertain significance (1 of 4 stars; one submission).

Conditions:
Familial cold autoinflammatory syndrome 2 (FCAS2). Identifiers: Orphanet 247868, MedGen C2673198, MONDO:0012724, OMIM 611762.

Allele frequency attached by ClinVar (database versions not stated): gnomAD exomes 0.00002.
gnomAD v4.1: 29 of 1,614,176 alleles (0.0018%); highest among the groups gnomAD compares: Non-Finnish European, 0.0024%; no homozygotes.

Submission:

Labcorp Genetics (formerly Invitae), Labcorp
Classification: Uncertain significance for Familial cold autoinflammatory syndrome 2. Last evaluated: 2024-11-11. Review status: criteria provided, single submitter. Criteria: Invitae Variant Classification Sherloc (09022015). Collection method: clinical testing. Allele origin: germline.
Comment: This sequence change replaces valine, which is neutral and non-polar, with methionine, which is neutral and non-polar, at codon 230 of the NLRP12 protein (p.Val230Met). This variant is not present in population databases (gnomAD no frequency). This variant has not been reported in the literature in individuals affected with NLRP12-related conditions. ClinVar contains an entry for this variant (Variation ID: 2736053). An algorithm developed to predict the effect of missense changes on protein structure and function outputs the following: PolyPhen-2: "Benign". The methionine amino acid residue is found in multiple mammalian species, which suggests that this missense change does not adversely affect protein function. In summary, the available evidence is currently insufficient to determine the role of this variant in disease. Therefore, it has been classified as a Variant of Uncertain Significance.

NM_144687.4(NLRP12):c.688G>A (p.Val230Met)

Gene: NLRP12 (NLR family pyrin domain containing 12; minus strand). Cytogenetic location: 19q13.42.
Variant type: single nucleotide variant.
Coding change: c.688G>A on transcript NM_144687.4 (MANE Select); coding-DNA position 688, G replaced by A.
Protein change: p.Val230Met; replaces valine 230 with methionine.
Molecular consequence: missense variant.
Genome position (GRCh38, 1-based): chr19:53,810,971, C>T on the plus strand (G>A on the coding strand, the complement: NLRP12 is on the minus strand). VCF-style: chr19-53810971-C-T. GRCh37 (hg19) VCF-style: chr19-54314225-C-T.
Other names: c.688G>A, p.Val230Met (NM_001277126.2, NM_001277129.1); short protein forms V230M.
Identifiers: ClinVar variation 2736053 (VCV002736053.3), dbSNP rs2514350013, ClinGen allele CA407416028.